The following is an entry in ClinVar:

NM_016343.4(CENPF):c.6371_6372del (p.Leu2124fs)

Gene: CENPF (centromere protein F; plus strand). Cytogenetic location: 1q41.
Variant type: Deletion.
Coding change: c.6371_6372del on transcript NM_016343.4 (MANE Select); coding-DNA positions 6371 to 6372, 2 bases deleted (TG; older notation c.6371_6372delTG).
Protein change: p.Leu2124fs; shifts the reading frame from leucine 2124.
Molecular consequence: frameshift variant.
Genome position (GRCh38, 1-based): chr1:214,645,941-214,645,942, TG deleted. VCF-style (leftmost placement, unchanged base first): chr1-214645940-CTG-C. GRCh37 (hg19) VCF-style: chr1-214819283-CTG-C.
Other names: short protein forms L2124fs.
Identifiers: ClinVar variation 503851 (VCV000503851.2), dbSNP rs1553290222, ClinGen allele CA658795590.

ClinVar aggregate classification (germline): Likely pathogenic (1 of 4 stars; one submission).

Allele frequency attached by ClinVar (database versions not stated): TOPMed below 0.00001.

Submission:

GeneDx
Classification: Likely pathogenic. Last evaluated: 2017-11-30. Review status: criteria provided, single submitter. Criteria: GeneDx Variant Classification (06012015). Collection method: clinical testing. Allele origin: germline. Affected: yes.
Comment: The c.6371_6372delTG variant in the CENPF gene has not been reported previously as a pathogenic variant nor as a benign variant, to our knowledge. This variant causes a frameshift starting with codon Leucine 2124, changes this amino acid to a Glutamine residue, and creates a premature Stop codon at position 5 of the new reading frame, denoted p.Leu2124GlnfsX5. This variant is predicted to cause loss of normal protein function either through protein truncation or nonsense-mediated mRNA decay. The c.6371_6372delTG variant is not observed in large population cohorts (Lek et al., 2016). We interpret c.6371_6372delTG as a likely pathogenic variant.